The following is an entry in ClinVar:

ClinVar aggregate classification (germline): Likely benign (0 of 4 stars; one submission).

Conditions:
ITGB4-related disorder. Also called: ITGB4-related condition.

Submission:

PreventionGenetics, part of Exact Sciences
Classification: Likely benign for ITGB4-related condition. Last evaluated: 2024-04-04. Review status: no assertion criteria provided. Collection method: clinical testing. Allele origin: germline.
Comment: This variant is classified as likely benign based on ACMG/AMP sequence variant interpretation guidelines (Richards et al. 2015 PMID: 25741868, with internal and published modifications).

NM_000213.5(ITGB4):c.4533C>A (p.Ser1511=)

Genes: GALK1 (galactokinase 1; minus strand), ITGB4 (integrin subunit beta 4; plus strand). Cytogenetic location: 17q25.1.
Variant type: single nucleotide variant.
Coding change: c.4533C>A on transcript NM_000213.5 (MANE Select); coding-DNA position 4533, C replaced by A.
Protein change: p.Ser1511=; no amino-acid change (serine 1511 retained).
Molecular consequence: synonymous variant. On other transcripts: intron variant (1).
Genome position (GRCh38, 1-based): chr17:75,754,790, C>A. VCF-style: chr17-75754790-C-A. GRCh37 (hg19) VCF-style: chr17-73750871-C-A.
Other names: c.4323C>A, p.Ser1441= (NM_001005619.2, NM_001005731.3, NM_001321123.2 and 1 more transcripts); c.*23-3053G>T (NM_001381985.1).
Identifiers: ClinVar variation 3344819 (VCV003344819.1).